The following is an entry in ClinVar:

NM_177400.3(NKX6-2):c.234dup (p.Leu79fs)

Gene: NKX6-2 (NK6 homeobox 2; minus strand). Cytogenetic location: 10q26.3.
Variant type: Duplication.
Coding change: c.234dup on transcript NM_177400.3 (MANE Select); coding-DNA position 234, one base duplicated (G; older notation c.234dupG).
Protein change: p.Leu79fs; shifts the reading frame from leucine 79.
Molecular consequence: frameshift variant.
Genome position (GRCh38, 1-based): chr10:132,785,715, C duplicated on the plus strand (G on the coding strand, the reverse complement: NKX6-2 is on the minus strand); the first of 7 consecutive C bases (chr10:132,785,715-132,785,721); duplicating any one gives the same sequence. VCF-style (leftmost placement, unchanged base first): chr10-132785714-G-GC. GRCh37 (hg19) VCF-style: chr10-134599218-G-GC.
Other names: short protein forms L79fs.
Identifiers: ClinVar variation 1218560 (VCV001218560.11), dbSNP rs765650727, ClinGen allele CA597013109.

ClinVar aggregate classification (germline): Pathogenic/Likely pathogenic. Review status: criteria provided, multiple submitters, no conflicts (2 of 4 stars). 4 submissions from 4 submitters: Pathogenic (1); Likely pathogenic (3). Last evaluated 2025-08-26.

Conditions:
Spastic ataxia 8, autosomal recessive, with hypomyelinating leukodystrophy (SPAX8). Identifiers: Orphanet 527497, MedGen C4479653, MONDO:0033043, OMIM 617560.

Submissions (4):

First Genomix Gene Laboratory, Genetic Diagnostics Department
Classification: Likely pathogenic for Spastic ataxia 8, autosomal recessive, with hypomyelinating leukodystrophy. Last evaluated: 2025-08-26. Review status: criteria provided, single submitter. Criteria: ACMG Guidelines, 2015. Collection method: clinical testing. Allele origin: germline. Inheritance: Autosomal recessive inheritance. Affected: no. Observed: 1 variant allele.

GeneDx
Classification: Likely pathogenic. Last evaluated: 2024-11-20. Review status: criteria provided, single submitter. Criteria: GeneDx Variant Classification Process June 2021. Collection method: clinical testing. Allele origin: germline. Affected: yes.
Comment: Frameshift variant predicted to result in abnormal protein length as the last 199 amino acids are replaced with unknown number of different amino acids, and other similar variants have been reported in HGMD; This variant is associated with the following publications: (PMID: Li2022[caserep])

Labcorp Genetics (formerly Invitae), Labcorp
Classification: Pathogenic. Last evaluated: 2024-04-01. Review status: criteria provided, single submitter. Criteria: Invitae Variant Classification Sherloc (09022015). Collection method: clinical testing. Allele origin: germline.
Comment: This sequence change results in a frameshift in the NKX6-2 gene (p.Leu79Alafs*). While this is not anticipated to result in nonsense mediated decay, it is expected to disrupt the last 199 amino acid(s) of the NKX6-2 protein and extend the protein by an uncertain number of additional amino acid residues. The frequency data for this variant in the population databases is considered unreliable, as metrics indicate poor data quality at this position in the gnomAD database. This frameshift has been observed in individual(s) with clinical features of hypomyelinating leukodystrophy (Invitae). ClinVar contains an entry for this variant (Variation ID: 1218560). This variant disrupts a region of the NKX6-2 protein in which other variant(s) (p.Glu189*) have been determined to be pathogenic (PMID: 28969374). This suggests that this is a clinically significant region of the protein, and that variants that disrupt it are likely to be disease-causing. For these reasons, this variant has been classified as Pathogenic.

Juno Genomics, Hangzhou Juno Genomics, Inc
Classification: Likely pathogenic for Spastic ataxia 8, autosomal recessive, with hypomyelinating leukodystrophy. Review status: criteria provided, single submitter. Criteria: ACMG Guidelines, 2015. Collection method: clinical testing. Allele origin: germline. Affected: yes.
Comment: Absent from controls (or at extremely low frequency if recessive) in Genome Aggregation Database, Exome Sequencing Project, 1000 Genomes Project, or Exome Aggregation Consortium.;Null variant in a gene where loss of function (LOF) is a known mechanism of disease.;For recessive disorders, detected in trans with a pathogenic variant.

Literature cited by the submitters: PubMed 28969374 (cited by Labcorp Genetics (formerly Invitae), Labcorp).